The following is an entry in ClinVar:

ClinVar aggregate classification (germline): Uncertain significance. Review status: criteria provided, multiple submitters, no conflicts (2 of 4 stars). 3 submissions from 3 submitters: Uncertain significance (3). Last evaluated 2024-10-23.

Conditions:
Chédiak-Higashi syndrome (CHS). Also called: Chediak-Higashi Syndrome. Identifiers: Orphanet 167, MedGen C0007965, MONDO:0008963, OMIM 214500.

Allele frequency attached by ClinVar (database versions not stated): ExAC 0.00003; gnomAD 0.00004; TOPMed 0.00006; gnomAD exomes 0.00010; ESP Exome Variant Server 0.00015.
gnomAD v4.1: 147 of 1,613,786 alleles (0.0091%); highest among the groups gnomAD compares: Non-Finnish European, 0.011%; no homozygotes.

Submissions (3):

Blueprint Genetics
Classification: Uncertain significance. Last evaluated: 2024-10-23. Review status: criteria provided, single submitter. Criteria: ACMG Guidelines, 2015. Collection method: clinical testing. Allele origin: germline.

Labcorp Genetics (formerly Invitae), Labcorp
Classification: Uncertain significance for Chédiak-Higashi syndrome. Last evaluated: 2022-08-16. Review status: criteria provided, single submitter. Criteria: Invitae Variant Classification Sherloc (09022015). Collection method: clinical testing. Allele origin: germline.
Comment: This sequence change replaces arginine, which is basic and polar, with glutamine, which is neutral and polar, at codon 50 of the LYST protein (p.Arg50Gln). This variant is present in population databases (rs368095341, gnomAD 0.01%). This variant has not been reported in the literature in individuals affected with LYST-related conditions. ClinVar contains an entry for this variant (Variation ID: 1052505). Algorithms developed to predict the effect of missense changes on protein structure and function are either unavailable or do not agree on the potential impact of this missense change (SIFT: "Deleterious"; PolyPhen-2: "Probably Damaging"; Align-GVGD: "Class C0"). In summary, the available evidence is currently insufficient to determine the role of this variant in disease. Therefore, it has been classified as a Variant of Uncertain Significance.

Revvity Omics, Revvity
Classification: Uncertain significance for Chédiak-Higashi syndrome. Last evaluated: 2019-05-30. Review status: criteria provided, single submitter. Criteria: ACMG Guidelines, 2015. Collection method: clinical testing. Allele origin: germline.

NM_000081.4(LYST):c.149G>A (p.Arg50Gln)

Gene: LYST (lysosomal trafficking regulator; minus strand). Cytogenetic location: 1q42.3.
Variant type: single nucleotide variant.
Coding change: c.149G>A on transcript NM_000081.4 (MANE Select); coding-DNA position 149, G replaced by A.
Protein change: p.Arg50Gln; replaces arginine 50 with glutamine.
Molecular consequence: missense variant. On other transcripts: non-coding transcript variant (1).
Genome position (GRCh38, 1-based): chr1:235,830,269, C>T on the plus strand (G>A on the coding strand, the complement: LYST is on the minus strand). VCF-style: chr1-235830269-C-T. GRCh37 (hg19) VCF-style: chr1-235993569-C-T.
Other names: c.149G>A, p.Arg50Gln (NM_001301365.1); short protein forms R50Q.
Identifiers: ClinVar variation 1052505 (VCV001052505.7), dbSNP rs368095341, ClinGen allele CA1467719.